The following is an entry in ClinVar:

ClinVar aggregate classification (germline): Uncertain significance. Review status: criteria provided, single submitter (1 of 4 stars). 2 submissions from 2 submitters: Uncertain significance (1). 1 of the submissions does not count toward it. Last evaluated 2025-06-27.

Conditions:
ERBB3-related disorder. Also called: ERBB3-related condition.

Allele frequency attached by ClinVar (database versions not stated): ESP Exome Variant Server 0.00014; TOPMed 0.00030; ExAC 0.00010; gnomAD exomes 0.00001; gnomAD 0.00029.
gnomAD v4.1: 75 of 1,568,256 alleles (0.0048%); highest among the groups gnomAD compares: African/African-American, 0.077%; no homozygotes.

Submissions (2):

Dasa
Classification: Uncertain significance. Last evaluated: 2025-06-27. Review status: criteria provided, single submitter. Criteria: DASA Assertion Criteria. Collection method: clinical testing. Allele origin: germline.
Comment: NM_001005915.1(ERBB3):c.550T>G (p.*184Gluext*6) is a nonsense variant in ERBB3 predicted to introduce a premature termination codon. This variant is rare in population databases. The currently available literature and clinical evidence are not sufficient to establish a definitive association between this variant and the reported condition. Therefore, this variant is classified as a variant of uncertain significance.

PreventionGenetics, part of Exact Sciences
Classification: Uncertain significance for ERBB3-related condition. Last evaluated: 2023-10-31. Review status: no assertion criteria provided. Collection method: clinical testing. Allele origin: germline. Not counted in ClinVar's aggregate classification.
Comment: The ERBB3 c.550T>G variant is predicted to result in extension of the open reading frame (p.*184Gluext*6). To our knowledge, this variant has not been reported in the literature. This variant is reported in 0.059% of alleles in individuals of African descent in gnomAD. Although we suspect that this variant may be benign, at this time, the clinical significance of this variant is uncertain due to the absence of conclusive functional and genetic evidence.

NM_001982.4(ERBB3):c.421+129T>G

Gene: ERBB3 (erb-b2 receptor tyrosine kinase 3; plus strand). Cytogenetic location: 12q13.2.
Variant type: single nucleotide variant.
Coding change: c.421+129T>G on transcript NM_001982.4 (MANE Select); 129 bases into the intron after coding-DNA position 421, T replaced by G.
Molecular consequence: intron variant. On other transcripts: stop lost (1).
Genome position (GRCh38, 1-based): chr12:56,085,310, T>G. VCF-style: chr12-56085310-T-G. GRCh37 (hg19) VCF-style: chr12-56479094-T-G.
Other names: c.550T>G, p.Ter184Glu (NM_001005915.1).
Identifiers: ClinVar variation 3051220 (VCV003051220.4), dbSNP rs372736362, ClinGen allele CA6621936.